The following is an entry in ClinVar:

NM_001572.5(IRF7):c.868G>A (p.Asp290Asn)

Gene: IRF7 (interferon regulatory factor 7; minus strand). Cytogenetic location: 11p15.5.
Variant type: single nucleotide variant.
Coding change: c.868G>A on transcript NM_001572.5 (MANE Select); coding-DNA position 868, G replaced by A.
Protein change: p.Asp290Asn; replaces aspartic acid 290 with asparagine.
Molecular consequence: missense variant.
Genome position (GRCh38, 1-based): chr11:613,575, C>T on the plus strand (G>A on the coding strand, the complement: IRF7 is on the minus strand). VCF-style: chr11-613575-C-T. GRCh37 (hg19) VCF-style: chr11-613575-C-T.
Other names: c.781G>A, p.Asp261Asn (NM_004029.4); c.907G>A, p.Asp303Asn (NM_004031.4); short protein forms D303N, D261N, D290N.
Identifiers: ClinVar variation 1468693 (VCV001468693.8), dbSNP rs965369705, ClinGen allele CA378979695.

ClinVar aggregate classification (germline): Uncertain significance (1 of 4 stars; one submission).

Conditions:
Immunodeficiency 39 (IMD39). Identifiers: Orphanet 574918, MedGen C4225358, MONDO:0014597, OMIM 616345.

Submission:

Labcorp Genetics (formerly Invitae), Labcorp
Classification: Uncertain significance for Immunodeficiency 39. Last evaluated: 2022-08-19. Review status: criteria provided, single submitter. Criteria: Invitae Variant Classification Sherloc (09022015). Collection method: clinical testing. Allele origin: germline.
Comment: This variant has not been reported in the literature in individuals affected with IRF7-related conditions. ClinVar contains an entry for this variant (Variation ID: 1468693). Algorithms developed to predict the effect of missense changes on protein structure and function are either unavailable or do not agree on the potential impact of this missense change (SIFT: "Deleterious"; PolyPhen-2: "Benign"; Align-GVGD: "Class C0"). In summary, the available evidence is currently insufficient to determine the role of this variant in disease. Therefore, it has been classified as a Variant of Uncertain Significance. This variant is not present in population databases (gnomAD no frequency). This sequence change replaces aspartic acid, which is acidic and polar, with asparagine, which is neutral and polar, at codon 303 of the IRF7 protein (p.Asp303Asn).